The following is an entry in ClinVar:

ClinVar aggregate classification (germline): Uncertain significance (1 of 4 stars; one submission).

Conditions:
Early-infantile DEE. Also called: Ohtahara syndrome; Early infantile epileptic encephalopathy with suppression bursts; Early infantile epileptic encephalopathy. Identifiers: Orphanet 1934, MedGen C0393706, MONDO:0800491.

Allele frequency attached by ClinVar (database versions not stated): TOPMed 0.00001; gnomAD exomes 0.00002; gnomAD 0.00001; ESP Exome Variant Server 0.00008.
gnomAD v4.1: 30 of 1,613,276 alleles (0.0019%); highest among the groups gnomAD compares: Non-Finnish European, 0.0025%; no homozygotes.

Submission:

Labcorp Genetics (formerly Invitae), Labcorp
Classification: Uncertain significance for Early-infantile DEE. Last evaluated: 2025-10-09. Review status: criteria provided, single submitter. Criteria: Invitae Variant Classification Sherloc (09022015). Collection method: clinical testing. Allele origin: germline.
Comment: This sequence change replaces alanine, which is neutral and non-polar, with valine, which is neutral and non-polar, at codon 450 of the SPTAN1 protein (p.Ala450Val). This variant is present in population databases (rs374524469, gnomAD 0.002%). This variant has not been reported in the literature in individuals affected with SPTAN1-related conditions. ClinVar contains an entry for this variant (Variation ID: 2705669). Invitae Evidence Modeling of protein sequence and biophysical properties (such as structural, functional, and spatial information, amino acid conservation, physicochemical variation, residue mobility, and thermodynamic stability) has been performed for this missense variant. However, the output from this modeling did not meet the statistical confidence thresholds required to predict the impact of this variant on SPTAN1 protein function. In summary, the available evidence is currently insufficient to determine the role of this variant in disease. Therefore, it has been classified as a Variant of Uncertain Significance.

NM_001130438.3(SPTAN1):c.1349C>T (p.Ala450Val)

Gene: SPTAN1 (spectrin alpha, non-erythrocytic 1; plus strand). Cytogenetic location: 9q34.11.
Variant type: single nucleotide variant.
Coding change: c.1349C>T on transcript NM_001130438.3 (MANE Select); coding-DNA position 1349, C replaced by T.
Protein change: p.Ala450Val; replaces alanine 450 with valine.
Molecular consequence: missense variant.
Genome position (GRCh38, 1-based): chr9:128,580,947, C>T. VCF-style: chr9-128580947-C-T. GRCh37 (hg19) VCF-style: chr9-131343226-C-T.
Other names: c.1349C>T, p.Ala450Val (NM_001195532.2, NM_001363759.2, NM_001363765.2 and 5 more transcripts); c.1385C>T, p.Ala462Val (NM_001375312.2, NM_001375318.1); short protein forms A450V, A462V.
Identifiers: ClinVar variation 2705669 (VCV002705669.4), dbSNP rs374524469, ClinGen allele CA200377648.
Genomic context (GRCh38, chr9:128,580,947, plus strand): 5'-CTCATCTCCCTGACCATGTCTCCTATGCCCCCAAGCTGACCGTCCTTTCCGAGGAGAGAG[C>T]GGCGCTGCTGGAGCTGTGGGAGCTGCGCAGGCAGCAGTACGAGCAGTGCATGGACCTGCA-3'
Protein context (NP_001123910.1, residues 440-460): EKLTVLSEER[Ala450Val]ALLELWELRR